The following is an entry in ClinVar:

ClinVar aggregate classification (germline): Likely benign (0 of 4 stars; one submission).

Conditions:
MPZL2-related disorder. Also called: MPZL2-related condition.

gnomAD v4.1: 137 of 1,612,038 alleles (0.0085%); highest among the groups gnomAD compares: East Asian, 0.2%; 2 homozygotes.

Submission:

PreventionGenetics, part of Exact Sciences
Classification: Likely benign for MPZL2-related condition. Last evaluated: 2024-06-11. Review status: no assertion criteria provided. Collection method: clinical testing. Allele origin: germline.
Comment: This variant is classified as likely benign based on ACMG/AMP sequence variant interpretation guidelines (Richards et al. 2015 PMID: 25741868, with internal and published modifications).

NM_005797.4(MPZL2):c.437T>C (p.Val146Ala)

Gene: MPZL2 (myelin protein zero like 2; minus strand). Cytogenetic location: 11q23.3.
Variant type: single nucleotide variant.
Coding change: c.437T>C on transcript NM_005797.4 (MANE Select); coding-DNA position 437, T replaced by C.
Protein change: p.Val146Ala; replaces valine 146 with alanine.
Molecular consequence: missense variant.
Genome position (GRCh38, 1-based): chr11:118,260,201, A>G on the plus strand (T>C on the coding strand, the complement: MPZL2 is on the minus strand). VCF-style: chr11-118260201-A-G. GRCh37 (hg19) VCF-style: chr11-118130916-A-G.
Other names: c.437T>C, p.Val146Ala (NM_144765.3); short protein forms V146A.
Identifiers: ClinVar variation 3358825 (VCV003358825.1).